The following is an entry in ClinVar:

ClinVar aggregate classification (germline): Pathogenic (1 of 4 stars; one submission).

Conditions:
Polyglandular autoimmune syndrome, type 1 (APS1). Also called: Autoimmune polyendocrinopathy syndrome , type I, with or without reversible metaphyseal dysplasia; Autoimmune polyendocrine syndrome type 1; HYPOADRENOCORTICISM WITH HYPOPARATHYROIDISM AND SUPERFICIAL MONILIASIS; PGA I; AUTOIMMUNE POLYENDOCRINE SYNDROME, TYPE I, WITH OR WITHOUT REVERSIBLE METAPHYSEAL DYSPLASIA; APS I. Identifiers: Orphanet 3453, MedGen C0085859, MONDO:0009411, OMIM 240300.

Submission:

Labcorp Genetics (formerly Invitae), Labcorp
Classification: Pathogenic for Polyglandular autoimmune syndrome, type 1. Last evaluated: 2023-07-13. Review status: criteria provided, single submitter. Criteria: Invitae Variant Classification Sherloc (09022015). Collection method: clinical testing. Allele origin: germline.
Comment: Algorithms developed to predict the effect of sequence changes on RNA splicing suggest that this variant may disrupt the consensus splice site. Disruption of this splice site has been observed in individuals with autosomal recessive autoimmune polyendocrinopathy syndrome (PMID: 27105486, 31420020). This variant is not present in population databases (gnomAD no frequency). This sequence change affects a donor splice site in intron 9 of the AIRE gene. It is expected to disrupt RNA splicing. Variants that disrupt the donor or acceptor splice site typically lead to a loss of protein function (PMID: 16199547), and loss-of-function variants in AIRE are known to be pathogenic (PMID: 11524731, 26141571). For these reasons, this variant has been classified as Pathogenic.

Literature cited by the submitters: PubMed 27105486; PubMed 31420020; PubMed 16199547; PubMed 11524731; PubMed 26141571.

NM_000383.4(AIRE):c.1095+1G>C

Gene: AIRE (autoimmune regulator; plus strand). Cytogenetic location: 21q22.3.
Variant type: single nucleotide variant.
Coding change: c.1095+1G>C on transcript NM_000383.4 (MANE Select); the canonical splice donor site of the intron after coding-DNA position 1095, G replaced by C.
Molecular consequence: splice donor variant.
Genome position (GRCh38, 1-based): chr21:44,292,402, G>C. VCF-style: chr21-44292402-G-C. GRCh37 (hg19) VCF-style: chr21-45712285-G-C.
Identifiers: ClinVar variation 2742963 (VCV002742963.3), dbSNP rs1022025101, ClinGen allele CA410425243.